The following is an entry in ClinVar:

ClinVar aggregate classification (germline): Uncertain significance. Review status: criteria provided, multiple submitters, no conflicts (2 of 4 stars). 3 submissions from 3 submitters: Uncertain significance (3). Last evaluated 2025-02-20.

Conditions:
Duane-radial ray syndrome (DRRS). Also called: ACRORENOOCULAR SYNDROME; DR SYNDROME; DUANE ANOMALY WITH RADIAL RAY ABNORMALITIES AND DEAFNESS; Duane-Radial Ray Syndrome (DRRS) / Okihiro Syndrome; Okihiro Syndrome; Duane-Radial Ray Syndrome/Okihiro Syndrome. Identifiers: Orphanet 93293, Orphanet 959, MedGen C1623209, MONDO:0011812, OMIM 607323. Disease mechanism: gain of function.
Inborn genetic diseases. Identifiers: MedGen C0950123, MeSH D030342.
Oculootoradial syndrome (IVIC). Also called: RADIAL RAY DEFECTS, HEARING IMPAIRMENT, EXTERNAL OPHTHALMOPLEGIA, AND THROMBOCYTOPENIA; IVIC syndrome. Identifiers: Orphanet 2307, MedGen C1327918, MONDO:0007836, OMIM 147750.

gnomAD v4.1: 16 of 1,613,988 alleles (0.00099%); highest among the groups gnomAD compares: African/African-American, 0.0013%; no homozygotes.

Submissions (3):

Labcorp Genetics (formerly Invitae), Labcorp
Classification: Uncertain significance for Duane-radial ray syndrome. Last evaluated: 2025-02-20. Review status: criteria provided, single submitter. Criteria: Invitae Variant Classification Sherloc (09022015). Collection method: clinical testing. Allele origin: germline.
Comment: This sequence change replaces glycine, which is neutral and non-polar, with aspartic acid, which is acidic and polar, at codon 261 of the SALL4 protein (p.Gly261Asp). This variant is present in population databases (rs199623438, gnomAD 0.004%). This variant has not been reported in the literature in individuals affected with SALL4-related conditions. ClinVar contains an entry for this variant (Variation ID: 3587380). An algorithm developed to predict the effect of missense changes on protein structure and function (PolyPhen-2) suggests that this variant is likely to be disruptive. In summary, the available evidence is currently insufficient to determine the role of this variant in disease. Therefore, it has been classified as a Variant of Uncertain Significance.

Ambry Genetics
Classification: Uncertain significance for Inborn genetic diseases. Last evaluated: 2025-02-14. Review status: criteria provided, single submitter. Criteria: Ambry Variant Classification Scheme 2023. Collection method: clinical testing. Allele origin: germline.

Fulgent Genetics
Classification: Uncertain significance for Oculootoradial syndrome; Duane-radial ray syndrome. Last evaluated: 2024-01-08. Review status: criteria provided, single submitter. Criteria: ACMG Guidelines, 2015. Collection method: clinical testing. Allele origin: germline.

NM_020436.5(SALL4):c.782G>A (p.Gly261Asp)

Gene: SALL4 (spalt like transcription factor 4; minus strand). Cytogenetic location: 20q13.2.
Variant type: single nucleotide variant.
Coding change: c.782G>A on transcript NM_020436.5 (MANE Select); coding-DNA position 782, G replaced by A.
Protein change: p.Gly261Asp; replaces glycine 261 with aspartic acid.
Molecular consequence: missense variant.
Genome position (GRCh38, 1-based): chr20:51,791,701, C>T on the plus strand (G>A on the coding strand, the complement: SALL4 is on the minus strand). VCF-style: chr20-51791701-C-T. GRCh37 (hg19) VCF-style: chr20-50408240-C-T.
Other names: c.782G>A, p.Gly261Asp (NM_001318031.2); short protein forms G261D.
Identifiers: ClinVar variation 3587380 (VCV003587380.3).